The following is an entry in ClinVar:

NM_201253.3(CRB1):c.3143_3154delinsA (p.Thr1048fs)

Gene: CRB1 (crumbs cell polarity complex component 1; plus strand). Cytogenetic location: 1q31.3.
Variant type: Indel.
Coding change: c.3143_3154delinsA on transcript NM_201253.3 (MANE Select); coding-DNA positions 3143 to 3154, CCTCCAGGTGGC replaced by A.
Protein change: p.Thr1048fs; shifts the reading frame from threonine 1048.
Molecular consequence: frameshift variant. On other transcripts: non-coding transcript variant (2), intron variant (1).
Genome position (GRCh38, 1-based): chr1:197,435,006-197,435,017, CCTCCAGGTGGC replaced by A. VCF-style: chr1-197435006-CCTCCAGGTGGC-A. GRCh37 (hg19) VCF-style: chr1-197404136-CCTCCAGGTGGC-A.
Other names: c.2807_2818delinsA, p.Thr936fs (NM_001193640.2); c.3071_3082delinsA, p.Thr1024fs (NM_001257965.2); c.2129-594_2129-583delinsA (NM_001257966.2); short protein forms T1048fs, T1024fs, T936fs.
Identifiers: ClinVar variation 971038 (VCV000971038.6), dbSNP rs1665066272, ClinGen allele CA1139656481.
Genomic context (GRCh38, chr1:197,435,006, plus strand): 5'-CAGTGAATGATGGCACATGGCACGAAGTGACCCTTTCCATGACAGACCCACTGTCCCAGA[CCTCCAGGTGGC>A]AAATGGAAGTGGACAACGAAACACCTTTTGTGACCAGCACAATTGCTACTGGAAGCCTCA-3'

ClinVar aggregate classification (germline): Pathogenic/Likely pathogenic. Review status: criteria provided, multiple submitters, no conflicts (2 of 4 stars). 2 submissions from 2 submitters: Pathogenic (1); Likely pathogenic (1). Last evaluated 2023-04-22.

Conditions:
Leber congenital amaurosis 8 (LCA8). Identifiers: Orphanet 65, MedGen C3151202, MONDO:0013453, OMIM 613835.
Retinitis pigmentosa 12 (RP12). Also called: RP WITH OR WITHOUT PPRPE; RP WITH OR WITHOUT PRESERVED PARAARTERIOLE RETINAL PIGMENT EPITHELIUM; RETINITIS PIGMENTOSA WITH OR WITHOUT PARAARTERIOLAR PRESERVATION OF RETINAL PIGMENT EPITHELIUM. Identifiers: Orphanet 791, MedGen C1838647, MONDO:0010818, OMIM 600105.

Submissions (2):

Baylor Genetics
Classification: Likely pathogenic for Leber congenital amaurosis 8. Last evaluated: 2023-04-22. Review status: criteria provided, single submitter. Criteria: ACMG Guidelines, 2015. Collection method: clinical testing. Allele origin: unknown.

Labcorp Genetics (formerly Invitae), Labcorp
Classification: Pathogenic for Leber congenital amaurosis 8; Retinitis pigmentosa 12. Last evaluated: 2022-03-20. Review status: criteria provided, single submitter. Criteria: Invitae Variant Classification Sherloc (09022015). Collection method: clinical testing. Allele origin: germline.
Comment: For these reasons, this variant has been classified as Pathogenic. This variant has not been reported in the literature in individuals affected with CRB1-related conditions. This variant is not present in population databases (gnomAD no frequency). This sequence change creates a premature translational stop signal (p.Thr1048Lysfs*26) in the CRB1 gene. It is expected to result in an absent or disrupted protein product. Loss-of-function variants in CRB1 are known to be pathogenic (PMID: 10508521, 22065545, 23379534, 25412400, 26957898, 28041643, 29391521).

Literature cited by the submitters: PubMed 10508521 (cited by Labcorp Genetics (formerly Invitae), Labcorp); PubMed 22065545 (cited by Labcorp Genetics (formerly Invitae), Labcorp); PubMed 23379534 (cited by Labcorp Genetics (formerly Invitae), Labcorp); PubMed 25412400 (cited by Labcorp Genetics (formerly Invitae), Labcorp); PubMed 26957898 (cited by Labcorp Genetics (formerly Invitae), Labcorp); PubMed 28041643 (cited by Labcorp Genetics (formerly Invitae), Labcorp); PubMed 29391521 (cited by Labcorp Genetics (formerly Invitae), Labcorp).